The following is an entry in ClinVar:

ClinVar aggregate classification (germline): Uncertain significance (1 of 4 stars; one submission).

Submission:

Labcorp Genetics (formerly Invitae), Labcorp
Classification: Uncertain significance. Last evaluated: 2025-10-18. Review status: criteria provided, single submitter. Criteria: Invitae Variant Classification Sherloc (09022015). Collection method: clinical testing. Allele origin: germline.
Comment: This sequence change replaces cysteine, which is neutral and slightly polar, with tryptophan, which is neutral and slightly polar, at codon 1393 of the COL2A1 protein (p.Cys1393Trp). This variant is not present in population databases (gnomAD no frequency). This variant has not been reported in the literature in individuals affected with COL2A1-related conditions. Invitae Evidence Modeling of protein sequence and biophysical properties (such as structural, functional, and spatial information, amino acid conservation, physicochemical variation, residue mobility, and thermodynamic stability) indicates that this missense variant is expected to disrupt COL2A1 protein function with a positive predictive value of 95%. In summary, the available evidence is currently insufficient to determine the role of this variant in disease. Therefore, it has been classified as a Variant of Uncertain Significance.

NM_001844.5(COL2A1):c.4179C>G (p.Cys1393Trp)

Gene: COL2A1 (collagen type II alpha 1 chain; minus strand). Cytogenetic location: 12q13.11.
Variant type: single nucleotide variant.
Coding change: c.4179C>G on transcript NM_001844.5 (MANE Select); coding-DNA position 4179, C replaced by G.
Protein change: p.Cys1393Trp; replaces cysteine 1393 with tryptophan.
Molecular consequence: missense variant.
Genome position (GRCh38, 1-based): chr12:47,974,227, G>C on the plus strand (C>G on the coding strand, the complement: COL2A1 is on the minus strand). VCF-style: chr12-47974227-G-C. GRCh37 (hg19) VCF-style: chr12-48368010-G-C.
Other names: c.3972C>G, p.Cys1324Trp (NM_033150.3); short protein forms C1393W, C1324W.
Identifiers: ClinVar variation 4747039 (VCV004747039.1).